The following is an entry in ClinVar:

ClinVar aggregate classification (germline): Likely benign (1 of 4 stars; one submission).

Allele frequency attached by ClinVar (database versions not stated): gnomAD 0.00001; gnomAD exomes 0.00001.
gnomAD v4.1: 7 of 1,548,868 alleles (0.00045%); highest among the groups gnomAD compares: African/African-American, 0.0014%; no homozygotes.

Submission:

GeneDx
Classification: Likely benign. Last evaluated: 2017-12-15. Review status: criteria provided, single submitter. Criteria: GeneDx Variant Classification (06012015). Collection method: clinical testing. Allele origin: germline. Affected: yes.
Comment: This variant is considered likely benign or benign based on one or more of the following criteria: it is a conservative change, it occurs at a poorly conserved position in the protein, it is predicted to be benign by multiple in silico algorithms, and/or has population frequency not consistent with disease.

NM_001367624.2(ZNF469):c.10713G>A (p.Leu3571=)

Gene: ZNF469 (zinc finger protein 469; plus strand). Cytogenetic location: 16q24.2.
Variant type: single nucleotide variant.
Coding change: c.10713G>A on transcript NM_001367624.2 (MANE Select); coding-DNA position 10713, G replaced by A.
Protein change: p.Leu3571=; no amino-acid change (leucine 3571 retained).
Molecular consequence: synonymous variant.
Genome position (GRCh38, 1-based): chr16:88,438,183, G>A. VCF-style: chr16-88438183-G-A. GRCh37 (hg19) VCF-style: chr16-88504591-G-A.
Identifiers: ClinVar variation 514146 (VCV000514146.1), dbSNP rs981130895, ClinGen allele CA286387126.